The following is an entry in ClinVar:

NM_021830.5(TWNK):c.1110C>G (p.Phe370Leu)

Gene: TWNK (twinkle mtDNA helicase; plus strand). Cytogenetic location: 10q24.31.
Variant type: single nucleotide variant.
Coding change: c.1110C>G on transcript NM_021830.5 (MANE Select); coding-DNA position 1110, C replaced by G.
Protein change: p.Phe370Leu; replaces phenylalanine 370 with leucine.
Molecular consequence: missense variant. On other transcripts: non-coding transcript variant (4), intron variant (3).
Genome position (GRCh38, 1-based): chr10:100,989,320, C>G. VCF-style: chr10-100989320-C-G. GRCh37 (hg19) VCF-style: chr10-102749077-C-G.
Other names: p.F370L:TTC>TTG; c.1110C>G, p.Phe370Leu (NM_001163812.2); c.-119-324C>G (NM_001163814.2, NM_001163813.2); c.-57-386C>G (NM_001368275.1); short protein forms F370L.
Identifiers: ClinVar variation 214184 (VCV000214184.4), dbSNP rs863223920, ClinGen allele CA320266.

ClinVar aggregate classification (germline): Pathogenic. Review status: criteria provided, multiple submitters, no conflicts (2 of 4 stars). 2 submissions from 2 submitters: Pathogenic (2). Last evaluated 2024-10-27.

Submissions (2):

Labcorp Genetics (formerly Invitae), Labcorp
Classification: Pathogenic. Last evaluated: 2024-10-27. Review status: criteria provided, single submitter. Criteria: Invitae Variant Classification Sherloc (09022015). Collection method: clinical testing. Allele origin: germline.
Comment: This sequence change replaces phenylalanine, which is neutral and non-polar, with leucine, which is neutral and non-polar, at codon 370 of the TWNK protein (p.Phe370Leu). This variant is not present in population databases (gnomAD no frequency). This missense change has been observed in individual(s) with clinical features of TWNK-related conditions (PMID: 18396044, 20880070). In at least one individual the variant was observed to be de novo. It has also been observed to segregate with disease in related individuals. ClinVar contains an entry for this variant (Variation ID: 214184). Invitae Evidence Modeling of protein sequence and biophysical properties (such as structural, functional, and spatial information, amino acid conservation, physicochemical variation, residue mobility, and thermodynamic stability) indicates that this missense variant is expected to disrupt TWNK protein function with a positive predictive value of 80%. For these reasons, this variant has been classified as Pathogenic.

GeneDx
Classification: Pathogenic. Last evaluated: 2014-05-05. Review status: criteria provided, single submitter. Criteria: GeneDx Variant Classification (06012015). Collection method: clinical testing. Allele origin: germline. Affected: yes.
Comment: p.Phe370Leu (TTC>TTG): c.1110 C>G in exon 1 of the C10ORF2 gene (NM_021830.4). The F370L missense mutation in the C10ORF2 gene has been reported previously in association with autosomal dominant inheritance in a family with ptosis and progressive external ophthalmoplegia (PEO) (Jeppesen et al., 2008). The F370L mutation was not observed in approximately 6,500 individuals of European and African American ancestry in the NHLBI Exome Sequencing Project, indicating it is not a common benign variant in these populations. This mutation occurs at a position that is highly conserved across species, and another missense mutation at this position (F370C) and missense mutations at neighboring positions (S369P, S369Y, R374Q, L378P) have been reported in association with PEO, supporting the functional importance of this region of the protein. Furthermore, in silico analysis predicts the F370L mutation is probably damaging to the protein structure/function. Therefore, we interpret F370L to be a pathogenic mutation. The variant is found in OAPEO-MITOP panel(s).

Literature cited by the submitters: PubMed 18396044 (cited by Labcorp Genetics (formerly Invitae), Labcorp); PubMed 20880070 (cited by Labcorp Genetics (formerly Invitae), Labcorp).